The following is an entry in ClinVar:

ClinVar aggregate classification (germline): Uncertain significance. Review status: criteria provided, multiple submitters, no conflicts (2 of 4 stars). 2 submissions from 2 submitters: Uncertain significance (2). Last evaluated 2025-10-25.

Allele frequency attached by ClinVar (database versions not stated): TOPMed below 0.00001; gnomAD exomes 0.00001.
gnomAD v4.1: 9 of 1,613,468 alleles (0.00056%); highest among the groups gnomAD compares: Non-Finnish European, 0.00076%; no homozygotes.

Submissions (2):

Ambry Genetics
Classification: Uncertain significance. Last evaluated: 2025-10-25. Review status: criteria provided, single submitter. Criteria: Ambry Variant Classification Scheme 2023. Collection method: clinical testing. Allele origin: germline.

Labcorp Genetics (formerly Invitae), Labcorp
Classification: Uncertain significance. Last evaluated: 2022-10-07. Review status: criteria provided, single submitter. Criteria: Invitae Variant Classification Sherloc (09022015). Collection method: clinical testing. Allele origin: germline.
Comment: This sequence change replaces phenylalanine, which is neutral and non-polar, with serine, which is neutral and polar, at codon 255 of the ADGRA3 protein (p.Phe255Ser). This variant is not present in population databases (gnomAD no frequency). This variant has not been reported in the literature in individuals affected with ADGRA3-related conditions. Algorithms developed to predict the effect of missense changes on protein structure and function are either unavailable or do not agree on the potential impact of this missense change (SIFT: "Deleterious"; PolyPhen-2: "Probably Damaging"; Align-GVGD: "Class C0"). In summary, the available evidence is currently insufficient to determine the role of this variant in disease. Therefore, it has been classified as a Variant of Uncertain Significance.

NM_145290.4(ADGRA3):c.764T>C (p.Phe255Ser)

Gene: ADGRA3 (adhesion G protein-coupled receptor A3; minus strand). Cytogenetic location: 4p15.2.
Variant type: single nucleotide variant.
Coding change: c.764T>C on transcript NM_145290.4 (MANE Select); coding-DNA position 764, T replaced by C.
Protein change: p.Phe255Ser; replaces phenylalanine 255 with serine.
Molecular consequence: missense variant.
Genome position (GRCh38, 1-based): chr4:22,442,806, A>G on the plus strand (T>C on the coding strand, the complement: ADGRA3 is on the minus strand). VCF-style: chr4-22442806-A-G. GRCh37 (hg19) VCF-style: chr4-22444429-A-G.
Other names: c.764T>C (NM_145290.2); short protein forms F255S.
Identifiers: ClinVar variation 1955374 (VCV001955374.6), dbSNP rs986688317, ClinGen allele CA93526347.